The following is an entry in ClinVar:

NM_001080512.3(BICC1):c.1311G>A (p.Leu437=)

Gene: BICC1 (BicC family RNA binding protein 1; plus strand). Cytogenetic location: 10q21.1.
Variant type: single nucleotide variant.
Coding change: c.1311G>A on transcript NM_001080512.3 (MANE Select); coding-DNA position 1311, G replaced by A.
Protein change: p.Leu437=; no amino-acid change (leucine 437 retained).
Molecular consequence: synonymous variant.
Genome position (GRCh38, 1-based): chr10:58,796,471, G>A. VCF-style: chr10-58796471-G-A. GRCh37 (hg19) VCF-style: chr10-60556231-G-A.
Other names: c.1311G>A (NM_001080512.2).
Identifiers: ClinVar variation 2852868 (VCV002852868.5), dbSNP rs202194967, ClinGen allele CA5508461.
Genomic context (GRCh38, chr10:58,796,471, plus strand): 5'-TGAAAGCAGTGGGGTTACCATAGCAACCAGTCCATCCCCAGCATCCTGCCCTGCCGGCCT[G>A]GCATGTCCCAGCCTGGATATCTTAGCTTCAGCAGGCCTTGGACTCACTGGACTAGGTATA-3'
Protein context (NP_001073981.1, residues 427-447): SPSPASCPAG[Leu437=]ACPSLDILAS

ClinVar aggregate classification (germline): Likely benign. Review status: criteria provided, single submitter (1 of 4 stars). 2 submissions from 2 submitters: Likely benign (1). 1 of the submissions does not count toward it. Last evaluated 2023-04-19.

Conditions:
BICC1-related disorder. Also called: BICC1-related condition.

Allele frequency attached by ClinVar (database versions not stated): ExAC 0.00005; gnomAD 0.00011; TOPMed 0.00011; 1000 Genomes Project 30x 0.00016; 1000 Genomes Project 0.00020; ESP Exome Variant Server 0.00023.
gnomAD v4.1: 300 of 1,614,080 alleles (0.019%); highest among the groups gnomAD compares: Non-Finnish European, 0.025%; no homozygotes.

Submissions (2):

Labcorp Genetics (formerly Invitae), Labcorp
Classification: Likely benign. Last evaluated: 2023-04-19. Review status: criteria provided, single submitter. Criteria: Invitae Variant Classification Sherloc (09022015). Collection method: clinical testing. Allele origin: germline.

PreventionGenetics, part of Exact Sciences
Classification: Likely benign for BICC1-related condition. Last evaluated: 2021-02-10. Review status: no assertion criteria provided. Collection method: clinical testing. Allele origin: germline. Not counted in ClinVar's aggregate classification.
Comment: This variant is classified as likely benign based on ACMG/AMP sequence variant interpretation guidelines (Richards et al. 2015 PMID: 25741868, with internal and published modifications).